The following is an entry in ClinVar:

NM_005257.6(GATA6):c.705C>G (p.Tyr235Ter)

Gene: GATA6 (GATA binding protein 6; plus strand). Cytogenetic location: 18q11.2.
Variant type: single nucleotide variant.
Coding change: c.705C>G on transcript NM_005257.6 (MANE Select); coding-DNA position 705, C replaced by G.
Protein change: p.Tyr235Ter; replaces tyrosine 235 with a stop codon.
Molecular consequence: nonsense.
Genome position (GRCh38, 1-based): chr18:22,171,849, C>G. VCF-style: chr18-22171849-C-G. GRCh37 (hg19) VCF-style: chr18-19751810-C-G.
Other names: short protein forms Y235*.
Identifiers: ClinVar variation 5002378 (VCV005002378.1).

ClinVar aggregate classification (germline): Likely pathogenic (1 of 4 stars; one submission).

Conditions:
GATA6-related disorder. Also called: GATA6-related condition.

Submission:

PreventionGenetics, part of Exact Sciences
Classification: Likely pathogenic for GATA6-related condition. Last evaluated: 2025-03-21. Review status: criteria provided, single submitter. Criteria: ACMG Guidelines, 2015. Collection method: clinical testing. Allele origin: germline.
Comment: The GATA6 c.705C>G variant is predicted to result in premature protein termination (p.Tyr235*). This variant has been reported de novo in an individual with congenital heart disease, adult onset diabetes and pancreatic agenesis (Sanchez-Lechuga et al. 2020. PubMed ID: 32245430). This variant has not been reported in a large population database (gnomAD), indicating this variant is rare. Nonsense variants in GATA6 are expected to be pathogenic. This variant is interpreted as likely pathogenic.